The following is an entry in ClinVar:

NM_000179.3(MSH6):c.3802-11T>C

Gene: MSH6 (mutS homolog 6; plus strand). Cytogenetic location: 2p16.3.
Variant type: single nucleotide variant.
Coding change: c.3802-11T>C on transcript NM_000179.3 (MANE Select); 11 bases into the intron before coding-DNA position 3802, T replaced by C.
Molecular consequence: intron variant.
Genome position (GRCh38, 1-based): chr2:47,806,441, T>C. VCF-style: chr2-47806441-T-C. GRCh37 (hg19) VCF-style: chr2-48033580-T-C.
Other names: c.2896-11T>C (NM_001281493.2, NM_001281494.2); c.3412-11T>C (NM_001281492.2).
Identifiers: ClinVar variation 924222 (VCV000924222.8), dbSNP rs1670084656, ClinGen allele CA1139656979.
Genomic context (GRCh38, chr2:47,806,441, plus strand): 5'-CACAAATTCGGTTTTTTGAGAGGGCACTTCTCTTGCTAGCACATGTATCGCTAATATTTT[T>C]CTTTCTTAAGGCATGCATGGTAGAAAATGAATGTGAAGACCCCAGCCAGGAGACTATTAC-3'

ClinVar aggregate classification (germline): Likely benign. Review status: criteria provided, multiple submitters, no conflicts (2 of 4 stars). 3 submissions from 3 submitters: Likely benign (3). Last evaluated 2025-01-08.

Conditions:
Hereditary cancer-predisposing syndrome. Also called: Neoplastic Syndromes, Hereditary; Tumor predisposition; Hereditary Cancer Syndrome; Hereditary neoplastic syndrome. Identifiers: Orphanet 140162, MedGen C0027672, MeSH D009386, MONDO:0015356.
Lynch syndrome 5 (LYNCH5). Also called: Colorectal cancer, hereditary nonpolyposis, type 5; Hereditary non-polyposis colorectal cancer, type 5. Identifiers: Orphanet 144, MedGen C1833477, MONDO:0013710, OMIM 614350. Disease mechanism: loss of function.
Hereditary nonpolyposis colorectal neoplasms. Identifiers: MedGen C0009405, MeSH D003123.

Submissions (3):

Myriad Genetics, Inc.
Classification: Likely benign for Lynch syndrome 5. Last evaluated: 2025-01-08. Review status: criteria provided, single submitter. Criteria: Myriad Autosomal Dominant, Autosomal Recessive and X-Linked Classification Criteria (2023). Collection method: clinical testing. Allele origin: unknown.
Comment: This variant is considered likely benign. This variant is intronic and is not expected to impact mRNA splicing.

Labcorp Genetics (formerly Invitae), Labcorp
Classification: Likely benign for Hereditary nonpolyposis colorectal neoplasms. Last evaluated: 2024-08-05. Review status: criteria provided, single submitter. Criteria: Invitae Variant Classification Sherloc (09022015). Collection method: clinical testing. Allele origin: germline.

Color Diagnostics, LLC DBA Color Health
Classification: Likely benign for Hereditary cancer-predisposing syndrome. Last evaluated: 2019-09-16. Review status: criteria provided, single submitter. Criteria: ACMG Guidelines, 2015. Collection method: clinical testing. Allele origin: germline.